The following is an entry in ClinVar:

NM_201384.3(PLEC):c.12564C>T (p.Gly4188=)

Gene: PLEC (plectin; minus strand). Cytogenetic location: 8q24.3.
Variant type: single nucleotide variant.
Coding change: c.12564C>T on transcript NM_201384.3 (MANE Select); coding-DNA position 12564, C replaced by T.
Protein change: p.Gly4188=; no amino-acid change (glycine 4188 retained).
Molecular consequence: synonymous variant.
Genome position (GRCh38, 1-based): chr8:143,917,257, G>A on the plus strand (C>T on the coding strand, the complement: PLEC is on the minus strand). VCF-style: chr8-143917257-G-A. GRCh37 (hg19) VCF-style: chr8-144991425-G-A.
Other names: c.12645C>T, p.Gly4215= (NM_000445.5); c.12522C>T, p.Gly4174= (NM_201378.4); c.12498C>T, p.Gly4166= (NM_201379.3); c.12975C>T, p.Gly4325= (NM_201380.4); c.12468C>T, p.Gly4156= (NM_201381.3); c.12564C>T, p.Gly4188= (NM_201382.4); c.12576C>T, p.Gly4192= (NM_201383.3).
Identifiers: ClinVar variation 390798 (VCV000390798.17), dbSNP rs140191309, ClinGen allele CA4924052.

ClinVar aggregate classification (germline): Conflicting classifications of pathogenicity. Review status: criteria provided, conflicting classifications (1 of 4 stars). 5 submissions from 5 submitters: Uncertain significance (1); Likely benign (3). 1 of the submissions does not count toward it. Last evaluated 2026-09-01.

Conditions:
PLEC-related disorder. Also called: PLEC-related condition; PLEC-related disorders.
Epidermolysis bullosa simplex, Ogna type (EBS5A). Also called: Pidermolysis bullosa simplex 5A, Ogna type; EPIDERMOLYSIS BULLOSA SIMPLEX 5A, OGNA TYPE. Identifiers: Orphanet 79401, MedGen C0432317, MONDO:0007555, OMIM 131950.
Epidermolysis bullosa simplex 5C, with pyloric atresia (EBS5C). Also called: PLEC-Related Epidermolysis Bullosa with Pyloric Atresia; Epidermolysis bullosa simplex with pyloric atresia; PLEC1-Related Epidermolysis Bullosa with Pyloric Atresia. Identifiers: Orphanet 158684, MedGen C2677349, MONDO:0012807, OMIM 612138.
Epidermolysis bullosa simplex 5B, with muscular dystrophy (EBS5B). Also called: Epidermolysis bullosa simplex with muscular dystrophy; EPIDERMOLYSIS BULLOSA SIMPLEX AND LIMB-GIRDLE MUSCULAR DYSTROPHY. Identifiers: Orphanet 257, MedGen C2931072, MONDO:0009181, OMIM 226670.
Epidermolysis bullosa simplex with nail dystrophy (EBS5D). Identifiers: MedGen C4225309, MONDO:0014661, OMIM 616487.
Autosomal recessive limb-girdle muscular dystrophy type 2Q (LGMDR17). Also called: MUSCULAR DYSTROPHY, LIMB-GIRDLE, AUTOSOMAL RECESSIVE 17. Identifiers: Orphanet 254361, MedGen C3150989, MONDO:0013390, OMIM 613723.

Allele frequency attached by ClinVar (database versions not stated): gnomAD 0.00009 and 0.00018; TOPMed 0.00016; ExAC 0.00018; gnomAD exomes 0.00022 and 0.00024; 1000 Genomes Project 30x 0.00078; 1000 Genomes Project 0.00080.
gnomAD v4.1: 370 of 1,611,586 alleles (0.023%); highest among the groups gnomAD compares: East Asian, 0.74%; no homozygotes.

Submissions (5):

CeGaT Center for Human Genetics Tuebingen
Classification: Likely benign. Last evaluated: 2026-09-01. Review status: criteria provided, single submitter. Criteria: CeGaT Center For Human Genetics Tuebingen Variant Classification Criteria Version 2. Collection method: clinical testing. Allele origin: germline. Affected: yes. Observed: 1 variant allele.
Comment: PLEC: BP4, BP7

Labcorp Genetics (formerly Invitae), Labcorp
Classification: Likely benign for Autosomal recessive limb-girdle muscular dystrophy type 2Q; Epidermolysis bullosa simplex, Ogna type; Epidermolysis bullosa simplex with nail dystrophy; Epidermolysis bullosa simplex 5C, with pyloric atresia; Epidermolysis bullosa simplex 5B, with muscular dystrophy. Last evaluated: 2025-12-22. Review status: criteria provided, single submitter. Criteria: Invitae Variant Classification Sherloc (09022015). Collection method: clinical testing. Allele origin: germline.

Eurofins Ntd Llc (ga)
Classification: Uncertain significance. Last evaluated: 2018-09-14. Review status: criteria provided, single submitter. Criteria: EGL ClinVar v180209 classification definitions. Collection method: clinical testing. Allele origin: germline. Observed: 2 variant alleles, 2 heterozygotes.

GeneDx
Classification: Likely benign. Last evaluated: 2016-11-15. Review status: criteria provided, single submitter. Criteria: GeneDx Variant Classification (06012015). Collection method: clinical testing. Allele origin: germline. Affected: yes.
Comment: This variant is considered likely benign or benign based on one or more of the following criteria: it is a conservative change, it occurs at a poorly conserved position in the protein, it is predicted to be benign by multiple in silico algorithms, and/or has population frequency not consistent with disease.

PreventionGenetics, part of Exact Sciences
Classification: Likely benign for PLEC-related condition. Last evaluated: 2024-05-21. Review status: no assertion criteria provided. Collection method: clinical testing. Allele origin: germline. Not counted in ClinVar's aggregate classification.
Comment: This variant is classified as likely benign based on ACMG/AMP sequence variant interpretation guidelines (Richards et al. 2015 PMID: 25741868, with internal and published modifications).